The following is an entry in ClinVar:

NM_000059.4(BRCA2):c.517-1G>C

Gene: BRCA2 (BRCA2 DNA repair associated; plus strand). Cytogenetic location: 13q13.1.
Variant type: single nucleotide variant.
Coding change: c.517-1G>C on transcript NM_000059.4 (MANE Select); the canonical splice acceptor site of the intron before coding-DNA position 517, G replaced by C.
Molecular consequence: splice acceptor variant.
Genome position (GRCh38, 1-based): chr13:32,326,498, G>C. VCF-style: chr13-32326498-G-C. GRCh37 (hg19) VCF-style: chr13-32900635-G-C.
Other names: c.517-1G>C (NM_001406720.1, NM_001406719.1, NM_001406721.1 and 1 more transcripts); c.148-1G>C (NM_001406722.1).
Identifiers: ClinVar variation 1745807 (VCV001745807.4), dbSNP rs81002849, ClinGen allele CA387757767.

ClinVar aggregate classification (germline): Pathogenic/Likely pathogenic. Review status: criteria provided, multiple submitters, no conflicts (2 of 4 stars). 2 submissions from 2 submitters: Pathogenic (1); Likely pathogenic (1). Last evaluated 2024-03-25.

Conditions:
Hereditary cancer-predisposing syndrome. Also called: Hereditary Cancer Syndrome; Neoplastic Syndromes, Hereditary; Tumor predisposition; Hereditary neoplastic syndrome. Identifiers: Orphanet 140162, MedGen C0027672, MeSH D009386, MONDO:0015356.
Hereditary breast ovarian cancer syndrome. Also called: Breast and ovarian cancer; Hereditary breast and ovarian cancer; Hereditary breast and/or ovarian cancer syndrome; BRCA1- and BRCA2-Associated Hereditary Breast and Ovarian Cancer; Hereditary breast and ovarian cancer syndrome (HBOC); Hereditary breast and ovarian cancer syndrome. Identifiers: Orphanet 145, MedGen C0677776, MeSH D061325, MONDO:0003582. Disease mechanism: loss of function.

Submissions (2):

Labcorp Genetics (formerly Invitae), Labcorp
Classification: Pathogenic for Hereditary breast ovarian cancer syndrome. Last evaluated: 2024-03-25. Review status: criteria provided, single submitter. Criteria: Invitae Variant Classification Sherloc (09022015). Collection method: clinical testing. Allele origin: germline.
Comment: This sequence change affects an acceptor splice site in intron 6 of the BRCA2 gene. It is expected to disrupt RNA splicing. Variants that disrupt the donor or acceptor splice site typically lead to a loss of protein function (PMID: 16199547), and loss-of-function variants in BRCA2 are known to be pathogenic (PMID: 20104584). This variant is not present in population databases (gnomAD no frequency). Disruption of this splice site has been observed in individual(s) with breast cancer (PMID: 25940717). ClinVar contains an entry for this variant (Variation ID: 1745807). Studies have shown that disruption of this splice site alters mRNA splicing and is expected to lead to the loss of protein expression (PMID: 30883759). For these reasons, this variant has been classified as Pathogenic.

Ambry Genetics
Classification: Likely pathogenic for Hereditary cancer-predisposing syndrome. Last evaluated: 2021-07-27. Review status: criteria provided, single submitter. Criteria: Ambry Variant Classification Scheme 2023. Collection method: clinical testing. Allele origin: germline.
Comment: The c.517-1G>C intronic variant results from a G to C substitution one nucleotide upstream from coding exon 6 of the BRCA2 gene. This alteration was identified once in a cohort of 306 pancreatic cancer patients. This nucleotide position is highly conserved in available vertebrate species. Using the BDGP and ESEfinder splice site prediction tools, this alteration will abolish the native splice acceptor site; however, direct evidence is unavailable. A close-match alteration at this same acceptor site, BRCA2 c.517-2A>G, has been identified in a compound heterozygous and homozygous state in patients with Fanconi Anemia (Leach M et al. Practical Flow Cytometry in Hematology: 100 worked examples. 321-324; 2015; Muramatsu H et al. Genet. Med., 2017 07;19:796-802). BRCA2 c.517-2A>G also demonstrates an intermediate effect in a mouse embryonic stem cell survival and subsequent homology-directed DNA repair assays. Clinical and functional data collectively support BRCA2 c.517-2A>G as a likely hypomorphic variant (Mesman RLS et al. Genet Med, 2020 08;22:1355-1365). BRCA2 c.517-2A>G is expected to have a similar splice defect as this variant (Houdayer C et al. Hum Mut. 2012; 33:1228&ndash;38; Fraile-Bethencourt E et al. J. Pathol. 2019 08;248(4):409-420). Based on the majority of available evidence to date, this variant is likely to be pathogenic. However, because a variant expected to have a similar splicing profile as this variant is functionally hypomorphic and has been identified in multiple patients with Fanconi Anemia it may be similarly hypomorphic and thus, carriers of this variant and their families may present with reduced risks, and not with the typical clinical characteristics of a high-risk pathogenic BRCA2 alteration. As risk estimates are unknown at this time, clinical correlation is advised.

Literature cited by the submitters: PubMed 16199547 (cited by Labcorp Genetics (formerly Invitae), Labcorp); PubMed 20104584 (cited by Labcorp Genetics (formerly Invitae), Labcorp); PubMed 25940717 (cited by Labcorp Genetics (formerly Invitae), Labcorp and Ambry Genetics); PubMed 30883759 (cited by Labcorp Genetics (formerly Invitae), Labcorp); PubMed 29446198 (cited by Ambry Genetics).